The following is an entry in ClinVar:

NM_001330588.2(TPP2):c.1679-23A>G

Gene: TPP2 (tripeptidyl peptidase 2; plus strand). Cytogenetic location: 13q33.1.
Variant type: single nucleotide variant.
Coding change: c.1679-23A>G on transcript NM_001330588.2 (MANE Select); 23 bases into the intron before coding-DNA position 1679, A replaced by G.
Molecular consequence: intron variant.
Genome position (GRCh38, 1-based): chr13:102,637,059, A>G. VCF-style: chr13-102637059-A-G. GRCh37 (hg19) VCF-style: chr13-103289409-A-G.
Other names: c.1679-23A>G (NM_001367947.1, NM_003291.4).
Identifiers: ClinVar variation 2628209 (VCV002628209.2), dbSNP rs9518799, ClinGen allele CA7037804.

ClinVar aggregate classification (germline): Benign (1 of 4 stars; one submission).

Allele frequency attached by ClinVar (database versions not stated): 1000 Genomes Project 30x 0.13851; 1000 Genomes Project 0.13978; TOPMed 0.15998; ESP Exome Variant Server 0.16308; gnomAD 0.16852; ExAC 0.21184; gnomAD exomes 0.21748.
gnomAD v4.1: 331,815 of 1,559,832 alleles (21%); highest among the groups gnomAD compares: South Asian, 29%; 37,387 homozygotes.

Submission:

Unidad de Genómica Garrahan, Hospital de Pediatría Garrahan
Classification: Benign. Last evaluated: 2023-11-12. Review status: criteria provided, single submitter. Criteria: ACMG Guidelines, 2015. Collection method: clinical testing. Allele origin: germline. Affected: no. Observed: 38 variant alleles.
Comment: This variant is classified as Benign based on local population frequency. This variant was detected in 40% of patients studied by a panel of primary immunodeficiencies. Number of patients: 38. Only high quality variants are reported.